The following is an entry in ClinVar:

NM_002529.4(NTRK1):c.213-1G>A

Gene: NTRK1 (neurotrophic receptor tyrosine kinase 1; plus strand). Cytogenetic location: 1q23.1.
Variant type: single nucleotide variant.
Coding change: c.213-1G>A on transcript NM_002529.4 (MANE Select); the canonical splice acceptor site of the intron before coding-DNA position 213, G replaced by A.
Molecular consequence: splice acceptor variant.
Genome position (GRCh38, 1-based): chr1:156,864,353, G>A. VCF-style: chr1-156864353-G-A. GRCh37 (hg19) VCF-style: chr1-156834145-G-A.
Other names: c.123-1G>A (NM_001007792.1); c.213-1G>A (NM_001012331.2).
Identifiers: ClinVar variation 2699927 (VCV002699927.4), dbSNP rs2102885150, ClinGen allele CA342931388.
Genomic context (GRCh38, chr1:156,864,353, plus strand): 5'-GTGGGCATGGGAACTCAAGTGTGGGCCTGAGCCCTGTGACTCCCATCCGCTCTCCCCACA[G>A]CTACATCGAGAACCAGCAGCATCTGCAGCATCTGGAGCTCCGTGATCTGAGGGGCCTGGG-3'

ClinVar aggregate classification (germline): Conflicting classifications of pathogenicity. Review status: criteria provided, conflicting classifications (1 of 4 stars). 2 submissions from 2 submitters: Likely pathogenic (1); Uncertain significance (1). Last evaluated 2024-11-07.

Conditions:
Hereditary insensitivity to pain with anhidrosis (CIPA). Also called: INSENSITIVITY TO PAIN, CONGENITAL, WITH ANHIDROSIS; FAMILIAL DYSAUTONOMIA, TYPE II; NTRK1 Congenital Insensitivity to Pain with Anhidrosis; HSAN Type IV; NEUROPATHY, CONGENITAL SENSORY, WITH ANHIDROSIS; hereditary sensory and autonomic neuropathy type 4. Identifiers: Orphanet 642, MedGen C0020074, MONDO:0009746, OMIM 256800.

Allele frequency attached by ClinVar (database versions not stated): gnomAD exomes below 0.00001.
gnomAD v4.1: 1 of 1,614,172 alleles (0.000062%); highest among the groups gnomAD compares: Non-Finnish European, 0.000085%; no homozygotes.

Submissions (2):

Blueprint Genetics
Classification: Uncertain significance. Last evaluated: 2024-11-07. Review status: criteria provided, single submitter. Criteria: ACMG Guidelines, 2015. Collection method: clinical testing. Allele origin: germline.

Labcorp Genetics (formerly Invitae), Labcorp
Classification: Likely pathogenic for Hereditary insensitivity to pain with anhidrosis. Last evaluated: 2023-12-01. Review status: criteria provided, single submitter. Criteria: Invitae Variant Classification Sherloc (09022015). Collection method: clinical testing. Allele origin: germline.
Comment: This sequence change affects an acceptor splice site in intron 1 of the NTRK1 gene. It is expected to disrupt RNA splicing. Variants that disrupt the donor or acceptor splice site typically lead to a loss of protein function (PMID: 16199547), and loss-of-function variants in NTRK1 are known to be pathogenic (PMID: 10982191). This variant is not present in population databases (gnomAD no frequency). This variant has not been reported in the literature in individuals affected with NTRK1-related conditions. Algorithms developed to predict the effect of sequence changes on RNA splicing suggest that this variant may disrupt the consensus splice site. In summary, the currently available evidence indicates that the variant is pathogenic, but additional data are needed to prove that conclusively. Therefore, this variant has been classified as Likely Pathogenic.

Literature cited by the submitters: PubMed 16199547 (cited by Labcorp Genetics (formerly Invitae), Labcorp); PubMed 10982191 (cited by Labcorp Genetics (formerly Invitae), Labcorp).